The following is an entry in ClinVar:

ClinVar aggregate classification (germline): Uncertain significance (1 of 4 stars; one submission).

Conditions:
Atrioventricular septal defect 4 (AVSD4). Identifiers: MedGen C3280781, MONDO:0013747, OMIM 614430.

Submission:

Labcorp Genetics (formerly Invitae), Labcorp
Classification: Uncertain significance for Atrioventricular septal defect 4. Last evaluated: 2021-08-14. Review status: criteria provided, single submitter. Criteria: Invitae Variant Classification Sherloc (09022015). Collection method: clinical testing. Allele origin: germline.
Comment: The frequency data for this variant in the population databases is considered unreliable, as metrics indicate insufficient coverage at this position in the ExAC database. This sequence change replaces alanine with valine at codon 181 of the GATA4 protein (p.Ala181Val). The alanine residue is moderately conserved and there is a small physicochemical difference between alanine and valine. This variant has not been reported in the literature in individuals affected with GATA4-related conditions. Algorithms developed to predict the effect of missense changes on protein structure and function are either unavailable or do not agree on the potential impact of this missense change (SIFT: "Tolerated"; PolyPhen-2: "Possibly Damaging"; Align-GVGD: "Class C0"). In summary, the available evidence is currently insufficient to determine the role of this variant in disease. Therefore, it has been classified as a Variant of Uncertain Significance.

NM_001308093.3(GATA4):c.542C>T (p.Ala181Val)

Gene: GATA4 (GATA binding protein 4). Cytogenetic location: 8p23.1.
Variant type: single nucleotide variant.
Coding change: c.542C>T on transcript NM_001308093.3 (MANE Select); coding-DNA position 542, C replaced by T.
Protein change: p.Ala181Val; replaces alanine 181 with valine.
Molecular consequence: missense variant. On other transcripts: intron variant (3).
Genome position (GRCh38, 1-based): chr8:11,708,854, C>T. VCF-style: chr8-11708854-C-T. GRCh37 (hg19) VCF-style: chr8-11566363-C-T.
Other names: c.542C>T, p.Ala181Val (NM_002052.5); c.-6+8076C>T (NM_001308094.2); c.-3+840C>T (NM_001374274.1); c.-3+4550C>T (NM_001374273.1); short protein forms A181V.
Identifiers: ClinVar variation 1489236 (VCV001489236.6), dbSNP rs1800027233, ClinGen allele CA370309846.